The following is an entry in ClinVar:

ClinVar aggregate classification (germline): Uncertain significance. Review status: criteria provided, multiple submitters, no conflicts (2 of 4 stars). 2 submissions from 2 submitters: Uncertain significance (2). Last evaluated 2023-07-14.

Conditions:
Lymphoproliferative syndrome 1 (LPFS1). Identifiers: Orphanet 238505, Orphanet 538963, MedGen C3552634, MONDO:0013081, OMIM 613011.

Allele frequency attached by ClinVar (database versions not stated): TOPMed below 0.00001.

Submissions (2):

Blueprint Genetics
Classification: Uncertain significance. Last evaluated: 2023-07-14. Review status: criteria provided, single submitter. Criteria: ACMG Guidelines, 2015. Collection method: clinical testing. Allele origin: germline.

Labcorp Genetics (formerly Invitae), Labcorp
Classification: Uncertain significance for Lymphoproliferative syndrome 1. Last evaluated: 2023-01-29. Review status: criteria provided, single submitter. Criteria: Invitae Variant Classification Sherloc (09022015). Collection method: clinical testing. Allele origin: germline.
Comment: This variant has not been reported in the literature in individuals affected with ITK-related conditions. In summary, the available evidence is currently insufficient to determine the role of this variant in disease. Therefore, it has been classified as a Variant of Uncertain Significance. Advanced modeling of protein sequence and biophysical properties (such as structural, functional, and spatial information, amino acid conservation, physicochemical variation, residue mobility, and thermodynamic stability) performed at Invitae indicates that this missense variant is expected to disrupt ITK protein function. This variant is not present in population databases (gnomAD no frequency). This sequence change replaces glycine, which is neutral and non-polar, with serine, which is neutral and polar, at codon 441 of the ITK protein (p.Gly441Ser).

NM_005546.4(ITK):c.1321G>A (p.Gly441Ser)

Gene: ITK (IL2 inducible T cell kinase; plus strand). Cytogenetic location: 5q33.3.
Variant type: single nucleotide variant.
Coding change: c.1321G>A on transcript NM_005546.4 (MANE Select); coding-DNA position 1321, G replaced by A.
Protein change: p.Gly441Ser; replaces glycine 441 with serine.
Molecular consequence: missense variant.
Genome position (GRCh38, 1-based): chr5:157,244,350, G>A. VCF-style: chr5-157244350-G-A. GRCh37 (hg19) VCF-style: chr5-156671360-G-A.
Other names: short protein forms G441S.
Identifiers: ClinVar variation 2095031 (VCV002095031.5), dbSNP rs1213589953, ClinGen allele CA361961473.